The following is an entry in ClinVar:

ClinVar aggregate classification (germline): Likely benign (1 of 4 stars; one submission).

Submission:

Women's Health and Genetics/Laboratory Corporation of America, LabCorp
Classification: Likely benign. Last evaluated: 2026-04-28. Review status: criteria provided, single submitter. Criteria: LabCorp Variant Classification Summary - May 2015. Collection method: clinical testing. Allele origin: germline.
Comment: Variant summary: TNXB c.5118C>G alters a conserved nucleotide resulting in a synonymous change. Consensus agreement among computation tools predict no significant impact on normal splicing. However, these predictions have yet to be confirmed by functional studies. The variant was absent in 248272 control chromosomes. The available data on variant occurrences in the general population are insufficient to allow any conclusion about variant significance. To our knowledge, no occurrence of c.5118C>G in individuals affected with TNXB-related conditions and no experimental evidence demonstrating its impact on protein function have been reported. No submitters have cited clinical-significance assessments for this variant to ClinVar. Based on the evidence outlined above, the variant was classified as likely benign.

NM_001365276.2(TNXB):c.5118C>G (p.Val1706=)

Gene: TNXB (tenascin XB; minus strand). Cytogenetic location: 6p21.33.
Variant type: single nucleotide variant.
Coding change: c.5118C>G on transcript NM_001365276.2 (MANE Select); coding-DNA position 5118, C replaced by G.
Protein change: p.Val1706=; no amino-acid change (valine 1706 retained).
Molecular consequence: synonymous variant.
Genome position (GRCh38, 1-based): chr6:32,070,287, G>C on the plus strand (C>G on the coding strand, the complement: TNXB is on the minus strand). VCF-style: chr6-32070287-G-C. GRCh37 (hg19) VCF-style: chr6-32038064-G-C.
Other names: c.5118C>G, p.Val1706= (NM_019105.8); c.5859C>G, p.Val1953= (NM_001428335.1).
Identifiers: ClinVar variation 4848640 (VCV004848640.1).